The following is an entry in ClinVar:

ClinVar aggregate classification (germline): Likely benign. Review status: criteria provided, multiple submitters, no conflicts (2 of 4 stars). 3 submissions from 3 submitters: Likely benign (3). Last evaluated 2025-12-15.

Allele frequency attached by ClinVar (database versions not stated): gnomAD exomes 0.00006; gnomAD 0.00009; TOPMed 0.00010.
gnomAD v4.1: 108 of 1,614,022 alleles (0.0067%); highest among the groups gnomAD compares: Middle Eastern, 0.016%; no homozygotes.

Submissions (3):

Labcorp Genetics (formerly Invitae), Labcorp
Classification: Likely benign. Last evaluated: 2025-12-15. Review status: criteria provided, single submitter. Criteria: Invitae Variant Classification Sherloc (09022015). Collection method: clinical testing. Allele origin: germline.

CeGaT Center for Human Genetics Tuebingen
Classification: Likely benign. Last evaluated: 2023-05-01. Review status: criteria provided, single submitter. Criteria: CeGaT Center For Human Genetics Tuebingen Variant Classification Criteria Version 2. Collection method: clinical testing. Allele origin: germline. Affected: yes. Observed: 1 variant allele.
Comment: STN1: BP4, BP7

Breakthrough Genomics
Classification: Likely benign. Review status: criteria provided, single submitter. Criteria: ACMG Guidelines, 2015. Collection method: not provided. Allele origin: germline. Inheritance: Autosomal recessive inheritance. Affected: yes.

NM_024928.5(STN1):c.360T>A (p.Ile120=)

Gene: STN1 (STN1 subunit of CST complex; minus strand). Cytogenetic location: 10q24.33.
Variant type: single nucleotide variant.
Coding change: c.360T>A on transcript NM_024928.5 (MANE Select); coding-DNA position 360, T replaced by A.
Protein change: p.Ile120=; no amino-acid change (isoleucine 120 retained).
Molecular consequence: synonymous variant.
Genome position (GRCh38, 1-based): chr10:103,900,159, A>T on the plus strand (T>A on the coding strand, the complement: STN1 is on the minus strand). VCF-style: chr10-103900159-A-T. GRCh37 (hg19) VCF-style: chr10-105659917-A-T.
Identifiers: ClinVar variation 1586182 (VCV001586182.33), dbSNP rs148532578, ClinGen allele CA5676634.